The following is an entry in ClinVar:

ClinVar aggregate classification (germline): Uncertain significance (1 of 4 stars; one submission).

Allele frequency attached by ClinVar (database versions not stated): gnomAD 0.00001; gnomAD exomes 0.00001 and 0.00004; TOPMed 0.00001; ExAC 0.00003.
gnomAD v4.1: 9 of 1,613,908 alleles (0.00056%); highest among the groups gnomAD compares: Admixed American, 0.015%; no homozygotes.

Submission:

Labcorp Genetics (formerly Invitae), Labcorp
Classification: Uncertain significance. Last evaluated: 2025-06-23. Review status: criteria provided, single submitter. Criteria: Invitae Variant Classification Sherloc (09022015). Collection method: clinical testing. Allele origin: germline.
Comment: This sequence change replaces alanine, which is neutral and non-polar, with valine, which is neutral and non-polar, at codon 432 of the CEP63 protein (p.Ala432Val). This variant is present in population databases (rs759960215, gnomAD 0.03%). This variant has not been reported in the literature in individuals affected with CEP63-related conditions. ClinVar contains an entry for this variant (Variation ID: 1520883). Invitae Evidence Modeling of protein sequence and biophysical properties (such as structural, functional, and spatial information, amino acid conservation, physicochemical variation, residue mobility, and thermodynamic stability) has been performed for this missense variant. However, the output from this modeling did not meet the statistical confidence thresholds required to predict the impact of this variant on CEP63 protein function. In summary, the available evidence is currently insufficient to determine the role of this variant in disease. Therefore, it has been classified as a Variant of Uncertain Significance.

NM_001353108.3(CEP63):c.1295C>T (p.Ala432Val)

Gene: CEP63 (centrosomal protein 63; plus strand). Cytogenetic location: 3q22.2.
Variant type: single nucleotide variant.
Coding change: c.1295C>T on transcript NM_001353108.3 (MANE Select); coding-DNA position 1295, C replaced by T.
Protein change: p.Ala432Val; replaces alanine 432 with valine.
Molecular consequence: missense variant. On other transcripts: non-coding transcript variant (4).
Genome position (GRCh38, 1-based): chr3:134,550,175, C>T. VCF-style: chr3-134550175-C-T. GRCh37 (hg19) VCF-style: chr3-134269017-C-T.
Other names: c.1157C>T, p.Ala386Val (NM_001042383.2, NM_001042384.2, NM_001353109.1 and 6 more transcripts); c.1295C>T, p.Ala432Val (NM_001042400.3, NM_001353110.1, NM_001353111.2 and 4 more transcripts); c.1184C>T, p.Ala395Val (NM_001353118.1); c.1073C>T, p.Ala358Val (NM_001353125.2); c.794C>T, p.Ala265Val (NM_001353126.2); short protein forms A265V, A432V, A358V, A386V, A395V.
Identifiers: ClinVar variation 1520883 (VCV001520883.6), dbSNP rs759960215, ClinGen allele CA2628636.
Genomic context (GRCh38, chr3:134,550,175, plus strand): 5'-GAATGAAGATGGAAATCTCCCATCTAACTCAGGAGTTACATCAGCGAGATATCACTATTG[C>T]TTCCACCAAAGGTTCTTCCTCAGACATGGAAAAGCGACTCAGAGCAGAGATGCAAAAGGC-3'
Protein context (NP_001340037.1, residues 422-442): QELHQRDITI[Ala432Val]STKGSSSDME